The following is an entry in ClinVar:

ClinVar aggregate classification (germline): Conflicting classifications of pathogenicity. Review status: criteria provided, conflicting classifications (1 of 4 stars). 4 submissions from 4 submitters: Likely pathogenic (1); Uncertain significance (3). Last evaluated 2025-09-30.

Conditions:
Isovaleryl-CoA dehydrogenase deficiency (IVA). Also called: Isovaleric acidemia; Classic Isovaleric Acidemia; IVD DEFICIENCY; ISOVALERIC ACID CoA DEHYDROGENASE DEFICIENCY. Identifiers: Orphanet 33, MedGen C0268575, MONDO:0009475, OMIM 243500.

Allele frequency attached by ClinVar (database versions not stated): gnomAD 0.00001; gnomAD exomes 0.00001; ExAC 0.00002; TOPMed 0.00003; ESP Exome Variant Server 0.00015.

Submissions (4):

Myriad Genetics, Inc.
Classification: Uncertain significance for Isovaleryl-CoA dehydrogenase deficiency. Last evaluated: 2025-09-30. Review status: criteria provided, single submitter. Criteria: Myriad Autosomal Dominant, Autosomal Recessive and X-Linked Classification Criteria (2023). Collection method: clinical testing. Allele origin: unknown.
Comment: NM_002225.3(IVD):c.859C>T(R287W) is a missense variant classified as a variant of uncertain significance in the context of isovaleric acidemia. R287W has been observed in cases with relevant disease (PMID: 38736698, 39519275). Relevant functional assessments of this variant are not available in the literature. R287W has been observed in referenced population frequency databases. In summary, there is insufficient evidence to classify NM_002225.3(IVD):c.859C>T(R287W) as pathogenic or benign. Please note: this variant was assessed in the context of healthy population screening.

Women's Health and Genetics/Laboratory Corporation of America, LabCorp
Classification: Uncertain significance. Last evaluated: 2024-07-03. Review status: criteria provided, single submitter. Criteria: LabCorp Variant Classification Summary - May 2015. Collection method: clinical testing. Allele origin: germline.
Comment: Variant summary: IVD c.850C>T (p.Arg284Trp) results in a non-conservative amino acid change in the encoded protein sequence. Five of five in-silico tools predict a damaging effect of the variant on protein function. The variant allele was found at a frequency of 1.2e-05 in 251190 control chromosomes. The available data on variant occurrences in the general population are insufficient to allow any conclusion about variant significance. To our knowledge, no occurrence of c.850C>T in individuals affected with Isovaleryl-CoA Dehydrogenase Deficiency and no experimental evidence demonstrating its impact on protein function have been reported. ClinVar contains an entry for this variant (Variation ID: 2676184). Based on the evidence outlined above, the variant was classified as uncertain significance.

Baylor Genetics
Classification: Likely pathogenic for Isovaleryl-CoA dehydrogenase deficiency. Last evaluated: 2024-03-21. Review status: criteria provided, single submitter. Criteria: ACMG Guidelines, 2015. Collection method: clinical testing. Allele origin: unknown.

Labcorp Genetics (formerly Invitae), Labcorp
Classification: Uncertain significance for Isovaleryl-CoA dehydrogenase deficiency. Last evaluated: 2023-12-04. Review status: criteria provided, single submitter. Criteria: Invitae Variant Classification Sherloc (09022015). Collection method: clinical testing. Allele origin: germline.
Comment: This sequence change replaces arginine, which is basic and polar, with tryptophan, which is neutral and slightly polar, at codon 287 of the IVD protein (p.Arg287Trp). This variant is present in population databases (rs145847749, gnomAD 0.003%). This variant has not been reported in the literature in individuals affected with IVD-related conditions. An algorithm developed to predict the effect of missense changes on protein structure and function (PolyPhen-2) suggests that this variant is likely to be disruptive. In summary, the available evidence is currently insufficient to determine the role of this variant in disease. Therefore, it has been classified as a Variant of Uncertain Significance.

Literature cited by the submitters: PubMed 38736698 (cited by Myriad Genetics, Inc.); PubMed 39519275 (cited by Myriad Genetics, Inc.).

NM_002225.5(IVD):c.850C>T (p.Arg284Trp)

Gene: IVD (isovaleryl-CoA dehydrogenase; plus strand). Cytogenetic location: 15q15.1.
Variant type: single nucleotide variant.
Coding change: c.850C>T on transcript NM_002225.5 (MANE Select); coding-DNA position 850, C replaced by T.
Protein change: p.Arg284Trp; replaces arginine 284 with tryptophan.
Molecular consequence: missense variant. On other transcripts: non-coding transcript variant (1).
Genome position (GRCh38, 1-based): chr15:40,414,954, C>T. VCF-style: chr15-40414954-C-T. GRCh37 (hg19) VCF-style: chr15-40707153-C-T.
Other names: c.760C>T, p.Arg254Trp (NM_001159508.3); c.802C>T, p.Arg268Trp (NM_001354597.3); c.850C>T, p.Arg284Trp (NM_001354598.3, NM_001354601.3); c.937C>T, p.Arg313Trp (NM_001354599.3, NM_001354600.3); short protein forms R254W, R268W, R284W, R313W.
Identifiers: ClinVar variation 2676184 (VCV002676184.6), dbSNP rs145847749, ClinGen allele CA7480762.